The following is an entry in ClinVar:

ClinVar aggregate classification (germline): Likely pathogenic (1 of 4 stars; one submission).

Conditions:
Fabry disease. Also called: ALPHA-GALACTOSIDASE A DEFICIENCY; ANDERSON-FABRY DISEASE; CERAMIDE TRIHEXOSIDASE DEFICIENCY; GLA DEFICIENCY; HEREDITARY DYSTOPIC LIPIDOSIS; Angiokeratoma corporis diffusum. Identifiers: Orphanet 324, MedGen C0002986, MONDO:0010526, OMIM 301500, HP:0001071. Disease mechanism: Fabry disease is due to inactivating mutations in the X-linked GLA gene resulting in deficiency of the enzyme Alpha Galactosidase-A., loss of function.

Submission:

Genomenon, Inc
Classification: Likely pathogenic for Fabry disease. Last evaluated: 2026-09-08. Review status: criteria provided, single submitter. Criteria: Genomenon Sequence Variant Interpretation Standards - Updated. Collection method: curation. Allele origin: germline. Affected: yes.
Comment: GLA p.Arg100Lys (c.299G>A) is a missense variant that changes the amino acid at codon 100 from Arginine to Lysine. This variant has been observed in at least one proband with clinical features consistent with Fabry disease (PMID:16148726;15091117;22507244;27094629;31996269). At least one functional study has demonstrated a substantial alteration in protein function relative to the wild-type (PMID:21598360;27657681). It is absent or not present at a significant frequency in gnomAD. In silico models predict that this variant is possibly or probably damaging. In conclusion, we classify GLA p.Arg100Lys (c.299G>A) as a likely pathogenic variant.

Literature cited by the submitters: PubMed 16148726; PubMed 15091117; PubMed 22507244; PubMed 27094629; PubMed 31996269; PubMed 21598360; PubMed 27657681.

NM_000169.3(GLA):c.299G>A (p.Arg100Lys)

Genes: GLA (galactosidase alpha; minus strand), RPL36A-HNRNPH2 (RPL36A-HNRNPH2 readthrough; plus strand). Cytogenetic location: Xq22.1.
Variant type: single nucleotide variant.
Coding change: c.299G>A on transcript NM_000169.3 (MANE Select); coding-DNA position 299, G replaced by A.
Protein change: p.Arg100Lys; replaces arginine 100 with lysine.
Molecular consequence: missense variant. On other transcripts: non-coding transcript variant (3), intron variant (2).
Genome position (GRCh38, 1-based): chrX:101,403,881, C>T on the plus strand (G>A on the coding strand, the complement: GLA is on the minus strand). VCF-style: chrX-101403881-C-T. GRCh37 (hg19) VCF-style: chrX-100658869-C-T.
Other names: c.422G>A, p.Arg141Lys (NM_001406747.1, NM_001406749.1); c.299G>A, p.Arg100Lys (NM_001406748.1); c.301-8055C>T (NM_001199973.2); c.178-8055C>T (NM_001199974.2); short protein forms R100K, R141K.
Identifiers: ClinVar variation 4087335 (VCV004087335.2), dbSNP rs869312273.